The following is an entry in ClinVar:

ClinVar aggregate classification (germline): Conflicting classifications of pathogenicity. Review status: criteria provided, conflicting classifications (1 of 4 stars). 9 submissions from 9 submitters: Uncertain significance (2); Benign (1); Likely benign (5). 1 of the submissions does not count toward it. Last evaluated 2025-12-22.

Conditions:
SIL1-related disorder. Also called: SIL1-related condition.
Marinesco-Sjögren syndrome (MSS). Also called: Marinesco-Sjogren Syndrome; Marinesco-SjÃ¶gren syndrome. Identifiers: Orphanet 559, MedGen C0024814, MONDO:0009567, OMIM 248800.

Allele frequency attached by ClinVar (database versions not stated): 1000 Genomes Project 30x 0.00016; gnomAD exomes 0.00018 and 0.00040; 1000 Genomes Project 0.00020; ExAC 0.00023; gnomAD 0.00026 and 0.00028; TOPMed 0.00029; ESP Exome Variant Server 0.00038.
gnomAD v4.1: 620 of 1,613,562 alleles (0.038%); highest among the groups gnomAD compares: Non-Finnish European, 0.049%; 3 homozygotes.

Submissions (9):

Labcorp Genetics (formerly Invitae), Labcorp
Classification: Likely benign for Marinesco-Sjögren syndrome. Last evaluated: 2025-12-22. Review status: criteria provided, single submitter. Criteria: Invitae Variant Classification Sherloc (09022015). Collection method: clinical testing. Allele origin: germline.

Mayo Clinic Laboratories, Mayo Clinic
Classification: Likely benign. Last evaluated: 2025-05-20. Review status: criteria provided, single submitter. Criteria: ACMG Guidelines, 2015. Collection method: clinical testing. Allele origin: germline. Observed: 1 variant allele.
Comment: BP4, BP7

CeGaT Center for Human Genetics Tuebingen
Classification: Likely benign. Last evaluated: 2024-11-01. Review status: criteria provided, single submitter. Criteria: CeGaT Center For Human Genetics Tuebingen Variant Classification Criteria Version 2. Collection method: clinical testing. Allele origin: germline. Affected: yes. Observed: 2 variant alleles.
Comment: SIL1: BP4, BP7

Blueprint Genetics
Classification: Likely benign. Last evaluated: 2023-09-29. Review status: criteria provided, single submitter. Criteria: ACMG Guidelines, 2015. Collection method: clinical testing. Allele origin: germline.

GeneDx
Classification: Likely benign. Last evaluated: 2021-01-05. Review status: criteria provided, single submitter. Criteria: GeneDx Variant Classification Process June 2021. Collection method: clinical testing. Allele origin: germline. Affected: yes.

Athena Diagnostics
Classification: Benign. Last evaluated: 2019-06-18. Review status: criteria provided, single submitter. Criteria: Athena Diagnostics Criteria. Collection method: clinical testing. Allele origin: germline.

Illumina Laboratory Services, Illumina
Classification: Uncertain significance for Marinesco-Sjögren syndrome. Last evaluated: 2017-04-27. Review status: criteria provided, single submitter. Criteria: ICSL Variant Classification Criteria 13 December 2019. Collection method: clinical testing. Allele origin: germline.

Eurofins Ntd Llc (ga)
Classification: Uncertain significance. Last evaluated: 2016-02-03. Review status: criteria provided, single submitter. Criteria: EGL Classification Definitions 2015. Collection method: clinical testing. Allele origin: germline. Observed: 1 variant allele, 1 heterozygote.

PreventionGenetics, part of Exact Sciences
Classification: Likely benign for SIL1-related condition. Last evaluated: 2019-04-04. Review status: no assertion criteria provided. Collection method: clinical testing. Allele origin: germline. Not counted in ClinVar's aggregate classification.
Comment: This variant is classified as likely benign based on ACMG/AMP sequence variant interpretation guidelines (Richards et al. 2015 PMID: 25741868, with internal and published modifications).

NM_022464.5(SIL1):c.1167C>T (p.Pro389=)

Gene: SIL1 (SIL1 nucleotide exchange factor; minus strand). Cytogenetic location: 5q31.2.
Variant type: single nucleotide variant.
Coding change: c.1167C>T on transcript NM_022464.5 (MANE Select); coding-DNA position 1167, C replaced by T.
Protein change: p.Pro389=; no amino-acid change (proline 389 retained).
Molecular consequence: synonymous variant.
Genome position (GRCh38, 1-based): chr5:138,947,336, G>A on the plus strand (C>T on the coding strand, the complement: SIL1 is on the minus strand). VCF-style: chr5-138947336-G-A. GRCh37 (hg19) VCF-style: chr5-138283025-G-A.
Other names: p.Pro389=; c.1167C>T, p.Pro389= (NM_001037633.2).
Identifiers: ClinVar variation 285899 (VCV000285899.48), dbSNP rs199890503, ClinGen allele CA3432357.
Genomic context (GRCh38, chr5:138,947,336, plus strand): 5'-CCGGCAGGTGGTCAGGAGGACGCCCAGTGTCTGCAGCACCTTCTCACGGGCATCATGCTC[G>A]GGCAGCGCCAGGAGGTGGGCCGTGATCTCGCACCAGCCCTGTTCCCACAGGCCTGGCAGG-3'
Protein context (NP_071909.1, residues 379-399): CEITAHLLAL[Pro389=]EHDAREKVLQ